The following is an entry in ClinVar:

ClinVar aggregate classification (germline): Benign/Likely benign. Review status: criteria provided, multiple submitters, no conflicts (2 of 4 stars). 3 submissions from 3 submitters: Benign (1); Likely benign (2). Last evaluated 2025-05-23.

Conditions:
Hyper-IgE recurrent infection syndrome 1, autosomal dominant. Also called: STAT3 Hyper IgE Syndrome; Job's Syndrome; JOB SYNDROME; Hyper-IgE recurrent infection syndrome 1; HYPER-IgE SYNDROME 1, AUTOSOMAL DOMINANT, WITH RECURRENT INFECTIONS. Identifiers: Orphanet 2314, MedGen C2936739, MONDO:0007818, OMIM 147060.
STAT3 gain of function. Identifiers: MedGen C4288261.

Allele frequency attached by ClinVar (database versions not stated): gnomAD exomes 0.00002 and 0.00004; ExAC 0.00003; gnomAD 0.00010 and 0.00011; ESP Exome Variant Server 0.00016; TOPMed 0.00025.

Submissions (3):

Labcorp Genetics (formerly Invitae), Labcorp
Classification: Likely benign for STAT3 gain of function; Hyper-IgE recurrent infection syndrome 1, autosomal dominant. Last evaluated: 2025-05-23. Review status: criteria provided, single submitter. Criteria: Invitae Variant Classification Sherloc (09022015). Collection method: clinical testing. Allele origin: germline.

Blueprint Genetics
Classification: Likely benign. Last evaluated: 2023-07-13. Review status: criteria provided, single submitter. Criteria: ACMG Guidelines, 2015. Collection method: clinical testing. Allele origin: germline.

Women's Health and Genetics/Laboratory Corporation of America, LabCorp
Classification: Benign. Last evaluated: 2018-11-01. Review status: criteria provided, single submitter. Criteria: LabCorp Variant Classification Summary - May 2015. Collection method: clinical testing. Allele origin: germline.
Comment: Variant summary: STAT3 c.1234-4dupA alters a non-conserved nucleotide located close to a canonical splice site and therefore could affect mRNA splicing, leading to a significantly altered protein sequence. 5/5 computational tools predict no significant impact on normal splicing. However, these predictions have yet to be confirmed by functional studies. The variant allele was found at a frequency of 4.7e-05 in 277168 control chromosomes (gnomAD). The observed variant frequency is approximately 21-fold above the estimated maximal expected allele frequency for a pathogenic variant in STAT3 causing Hyper IgE Syndrome phenotype (2.2e-06), strongly suggesting that the variant is benign. To our knowledge, no occurrence of c.1234-4dupA in individuals affected with Hyper IgE Syndrome and no experimental evidence demonstrating its impact on protein function have been reported. No clinical diagnostic laboratories have submitted clinical-significance assessments for this variant to ClinVar after 2014. Based on the evidence outlined above, the variant was classified as benign.

NM_139276.3(STAT3):c.1234-4dup

Gene: STAT3 (signal transducer and activator of transcription 3; minus strand). Cytogenetic location: 17q21.2.
Variant type: Duplication.
Coding change: c.1234-4dup on transcript NM_139276.3 (MANE Select); 4 bases into the intron before coding-DNA position 1234, one base duplicated (A; older notation c.1234-4dupA).
Molecular consequence: intron variant.
Genome position (GRCh38, 1-based): chr17:42,329,461, T duplicated on the plus strand (A on the coding strand, the reverse complement: STAT3 is on the minus strand). VCF-style (leftmost placement, unchanged base first): chr17-42329460-G-GT. GRCh37 (hg19) VCF-style: chr17-40481478-G-GT.
Other names: c.1138-4dup (NM_001384989.1); c.1174-4dup (NM_001384992.1); c.1234-4dup (NM_001384984.1, NM_001369519.1, NM_003150.4 and 12 more transcripts); c.1156-4dup (NM_001384985.1); c.1249-4dup (NM_001384986.1, NM_001384990.1); c.1234-4dupA (NM_139276.2).
Identifiers: ClinVar variation 633434 (VCV000633434.11), dbSNP rs763332844, ClinGen allele CA8575381.